The following is an entry in ClinVar:

ClinVar aggregate classification (germline): Uncertain significance (1 of 4 stars; one submission).

Allele frequency attached by ClinVar (database versions not stated): gnomAD exomes below 0.00001; TOPMed below 0.00001; gnomAD 0.00001.

Submission:

Labcorp Genetics (formerly Invitae), Labcorp
Classification: Uncertain significance. Last evaluated: 2023-08-17. Review status: criteria provided, single submitter. Criteria: Invitae Variant Classification Sherloc (09022015). Collection method: clinical testing. Allele origin: germline.
Comment: This variant has not been reported in the literature in individuals affected with DSG1-related conditions. In summary, the available evidence is currently insufficient to determine the role of this variant in disease. Therefore, it has been classified as a Variant of Uncertain Significance. Advanced modeling of protein sequence and biophysical properties (such as structural, functional, and spatial information, amino acid conservation, physicochemical variation, residue mobility, and thermodynamic stability) performed at Invitae indicates that this missense variant is not expected to disrupt DSG1 protein function. This variant is present in population databases (no rsID available, gnomAD 0.006%). This sequence change replaces methionine, which is neutral and non-polar, with valine, which is neutral and non-polar, at codon 159 of the DSG1 protein (p.Met159Val).

NM_001942.4(DSG1):c.475A>G (p.Met159Val)

Gene: DSG1 (desmoglein 1; plus strand). Cytogenetic location: 18q12.1.
Variant type: single nucleotide variant.
Coding change: c.475A>G on transcript NM_001942.4 (MANE Select); coding-DNA position 475, A replaced by G.
Protein change: p.Met159Val; replaces methionine 159 with valine.
Molecular consequence: missense variant.
Genome position (GRCh38, 1-based): chr18:31,329,994, A>G. VCF-style: chr18-31329994-A-G. GRCh37 (hg19) VCF-style: chr18-28909957-A-G.
Other names: short protein forms M159V.
Identifiers: ClinVar variation 2888128 (VCV002888128.3), dbSNP rs931207229, ClinGen allele CA297691918.